The following is an entry in ClinVar:

NM_002454.3(MTRR):c.1789C>A (p.Leu597Ile)

Gene: MTRR (5-methyltetrahydrofolate-homocysteine methyltransferase reductase; plus strand). Cytogenetic location: 5p15.31.
Variant type: single nucleotide variant.
Coding change: c.1789C>A on transcript NM_002454.3 (MANE Select); coding-DNA position 1789, C replaced by A.
Protein change: p.Leu597Ile; replaces leucine 597 with isoleucine.
Molecular consequence: missense variant. On other transcripts: non-coding transcript variant (14).
Genome position (GRCh38, 1-based): chr5:7,897,084, C>A. VCF-style: chr5-7897084-C-A. GRCh37 (hg19) VCF-style: chr5-7897197-C-A.
Other names: c.1789C>A, p.Leu597Ile (NM_001364440.2, NM_001364441.2, NM_001364442.2 and 1 more transcripts); short protein forms L597I.
Identifiers: ClinVar variation 968883 (VCV000968883.3), dbSNP rs755408035, ClinGen allele CA3196076.
Genomic context (GRCh38, chr5:7,897,084, plus strand): 5'-CTTGACAACCTTTTAGTGATCCATTATATATTATATTTCAGAAAAGAGCTCAGACATTTC[C>A]TTAAGCATGGGATCTTAACTCATCTAAAGGTTTCCTTCTCAAGAGATGCTCCTGTTGGGG-3'
Protein context (NP_002445.2, residues 587-607): YLFRKELRHF[Leu597Ile]KHGILTHLKV

ClinVar aggregate classification (germline): Uncertain significance (1 of 4 stars; one submission).

Conditions:
Methylcobalamin deficiency type cblE (HMAE). Also called: VITAMIN B12-RESPONSIVE HOMOCYSTINURIA, cblE TYPE; HOMOCYSTINURIA-MEGALOBLASTIC ANEMIA, cblE COMPLEMENTATION TYPE; HOMOCYSTINURIA-MEGALOBLASTIC ANEMIA, cblE TYPE. Identifiers: Orphanet 2169, Orphanet 622, MedGen C1856057, MONDO:0009354, OMIM 236270.

Allele frequency attached by ClinVar (database versions not stated): ExAC 0.00001; gnomAD 0.00001 and 0.00003; gnomAD exomes 0.00001; TOPMed 0.00003.
gnomAD v4.1: 23 of 1,613,978 alleles (0.0014%); highest among the groups gnomAD compares: African/African-American, 0.004%; no homozygotes.

Submission:

Labcorp Genetics (formerly Invitae), Labcorp
Classification: Uncertain significance for Methylcobalamin deficiency type cblE. Last evaluated: 2021-09-01. Review status: criteria provided, single submitter. Criteria: Invitae Variant Classification Sherloc (09022015). Collection method: clinical testing. Allele origin: germline.
Comment: This sequence change replaces leucine with isoleucine at codon 597 of the MTRR protein (p.Leu597Ile). The leucine residue is weakly conserved and there is a small physicochemical difference between leucine and isoleucine. This variant is present in population databases (rs755408035, ExAC no frequency). This variant has not been reported in the literature in individuals affected with MTRR-related conditions. Algorithms developed to predict the effect of missense changes on protein structure and function (SIFT, PolyPhen-2, Align-GVGD) all suggest that this variant is likely to be tolerated. In summary, the available evidence is currently insufficient to determine the role of this variant in disease. Therefore, it has been classified as a Variant of Uncertain Significance.